The following is an entry in ClinVar:

ClinVar aggregate classification (germline): Uncertain significance (1 of 4 stars; one submission).

Conditions:
Early-infantile DEE. Also called: Ohtahara syndrome; Early infantile epileptic encephalopathy with suppression bursts; Early infantile epileptic encephalopathy. Identifiers: Orphanet 1934, MedGen C0393706, MONDO:0800491.

gnomAD v4.1: 6 of 1,613,712 alleles (0.00037%); highest among the groups gnomAD compares: Non-Finnish European, 0.00051%; no homozygotes.

Submission:

Labcorp Genetics (formerly Invitae), Labcorp
Classification: Uncertain significance for Early-infantile DEE. Last evaluated: 2020-08-15. Review status: criteria provided, single submitter. Criteria: Invitae Variant Classification Sherloc (09022015). Collection method: clinical testing. Allele origin: germline.
Comment: This variant has not been reported in the literature in individuals with CACNA2D2-related conditions. In summary, the available evidence is currently insufficient to determine the role of this variant in disease. Therefore, it has been classified as a Variant of Uncertain Significance. Algorithms developed to predict the effect of missense changes on protein structure and function are either unavailable or do not agree on the potential impact of this missense change (SIFT: "Deleterious"; PolyPhen-2: "Benign"; Align-GVGD: "Class C0"). This variant is not present in population databases (ExAC no frequency). This sequence change replaces alanine with threonine at codon 164 of the CACNA2D2 protein (p.Ala164Thr). The alanine residue is moderately conserved and there is a small physicochemical difference between alanine and threonine.

NM_006030.4(CACNA2D2):c.490G>A (p.Ala164Thr)

Gene: CACNA2D2 (calcium voltage-gated channel auxiliary subunit alpha2delta 2; minus strand). Cytogenetic location: 3p21.31.
Variant type: single nucleotide variant.
Coding change: c.490G>A on transcript NM_006030.4 (MANE Select); coding-DNA position 490, G replaced by A.
Protein change: p.Ala164Thr; replaces alanine 164 with threonine.
Molecular consequence: missense variant.
Genome position (GRCh38, 1-based): chr3:50,387,588, C>T on the plus strand (G>A on the coding strand, the complement: CACNA2D2 is on the minus strand). VCF-style: chr3-50387588-C-T. GRCh37 (hg19) VCF-style: chr3-50425019-C-T.
Other names: c.490G>A, p.Ala164Thr (NM_001005505.3, NM_001174051.3); c.283G>A, p.Ala95Thr (NM_001291101.1); short protein forms A164T, A95T.
Identifiers: ClinVar variation 1064070 (VCV001064070.6), dbSNP rs1434730003, ClinGen allele CA352946377.